The following is an entry in ClinVar:

ClinVar aggregate classification (germline): Conflicting classifications of pathogenicity. Review status: criteria provided, conflicting classifications (1 of 4 stars). 5 submissions from 5 submitters: Uncertain significance (1); Likely benign (3). 1 of the submissions does not count toward it. Last evaluated 2025-11-23.

Conditions:
VCAN-related disorder. Also called: VCAN-related condition.
Inborn genetic diseases. Identifiers: MedGen C0950123, MeSH D030342.

Allele frequency attached by ClinVar (database versions not stated): gnomAD 0.00084 and 0.00089; ESP Exome Variant Server 0.00092; TOPMed 0.00106; 1000 Genomes Project 0.00140; 1000 Genomes Project 30x 0.00172.
gnomAD v4.1: 257 of 1,614,100 alleles (0.016%); highest among the groups gnomAD compares: African/African-American, 0.31%; no homozygotes.

Submissions (5):

Labcorp Genetics (formerly Invitae), Labcorp
Classification: Likely benign. Last evaluated: 2025-11-23. Review status: criteria provided, single submitter. Criteria: Invitae Variant Classification Sherloc (09022015). Collection method: clinical testing. Allele origin: germline.

Ambry Genetics
Classification: Uncertain significance for Inborn genetic diseases. Last evaluated: 2024-01-04. Review status: criteria provided, single submitter. Criteria: Ambry Variant Classification Scheme 2023. Collection method: clinical testing. Allele origin: germline.

Blueprint Genetics
Classification: Likely benign. Last evaluated: 2023-06-30. Review status: criteria provided, single submitter. Criteria: ACMG Guidelines, 2015. Collection method: clinical testing. Allele origin: germline.

Breakthrough Genomics
Classification: Likely benign. Review status: criteria provided, single submitter. Criteria: ACMG Guidelines, 2015. Collection method: not provided. Allele origin: germline. Inheritance: Autosomal dominant inheritance. Affected: yes.

PreventionGenetics, part of Exact Sciences
Classification: Likely benign for VCAN-related condition. Last evaluated: 2019-10-23. Review status: no assertion criteria provided. Collection method: clinical testing. Allele origin: germline. Not counted in ClinVar's aggregate classification.
Comment: This variant is classified as likely benign based on ACMG/AMP sequence variant interpretation guidelines (Richards et al. 2015 PMID: 25741868, with internal and published modifications).

NM_004385.5(VCAN):c.8012C>A (p.Thr2671Lys)

Genes: VCAN (versican; plus strand), VCAN-AS1 (VCAN antisense RNA 1; minus strand). Cytogenetic location: 5q14.3.
Variant type: single nucleotide variant.
Coding change: c.8012C>A on transcript NM_004385.5 (MANE Select); coding-DNA position 8012, C replaced by A.
Protein change: p.Thr2671Lys; replaces threonine 2671 with lysine.
Molecular consequence: missense variant. On other transcripts: intron variant (2).
Genome position (GRCh38, 1-based): chr5:83,541,015, C>A. VCF-style: chr5-83541015-C-A. GRCh37 (hg19) VCF-style: chr5-82836834-C-A.
Other names: c.5051C>A, p.Thr1684Lys (NM_001164097.2); c.4004-4522C>A (NM_001164098.2); c.1043-4522C>A (NM_001126336.3); c.8012C>A (NM_004385.4); short protein forms T1684K, T2671K.
Identifiers: ClinVar variation 1111194 (VCV001111194.14), dbSNP rs61733390, ClinGen allele CA3333728.